The following is an entry in ClinVar:

ClinVar aggregate classification (germline): Likely benign (0 of 4 stars; one submission).

Conditions:
NUMA1-related disorder. Also called: NUMA1-related condition.

Allele frequency attached by ClinVar (database versions not stated): ESP Exome Variant Server 0.00054; gnomAD 0.00104; TOPMed 0.00121; ExAC 0.00199; 1000 Genomes Project 30x 0.00219; 1000 Genomes Project 0.00240.
gnomAD v4.1: 1,534 of 1,612,632 alleles (0.095%); highest among the groups gnomAD compares: East Asian, 1.8%; 16 homozygotes.

Submissions (5):

PreventionGenetics, part of Exact Sciences
Classification: Likely benign for NUMA1-related condition. Last evaluated: 2021-03-22. Review status: no assertion criteria provided. Collection method: clinical testing. Allele origin: germline.
Comment: This variant is classified as likely benign based on ACMG/AMP sequence variant interpretation guidelines (Richards et al. 2015 PMID: 25741868, with internal and published modifications).

Dr. Peter K. Rogan Lab, Western University
No classification provided (evidence only). Condition: Clear cell carcinoma of kidney. Review status: no classification provided. Collection method: in vitro. Allele origin: not applicable. Functional consequence: retained intron. Not counted in ClinVar's aggregate classification.

Dr. Peter K. Rogan Lab, Western University
No classification provided (evidence only). Condition: Familial cancer of breast. Review status: no classification provided. Collection method: in vitro. Allele origin: not applicable. Functional consequence: retained intron. Not counted in ClinVar's aggregate classification.

Dr. Peter K. Rogan Lab, Western University
No classification provided (evidence only). Condition: Familial cancer of breast. Review status: no classification provided. Collection method: in vitro. Allele origin: not applicable. Functional consequence: retained intron. Not counted in ClinVar's aggregate classification.

Dr. Peter K. Rogan Lab, Western University
No classification provided (evidence only). Condition: Ovarian serous cystadenocarcinoma. Review status: no classification provided. Collection method: in vitro. Allele origin: not applicable. Functional consequence: retained intron. Not counted in ClinVar's aggregate classification.

NM_006185.4(NUMA1):c.1030C>G (p.Leu344Val)

Genes: NUMA1 (nuclear mitotic apparatus protein 1; minus strand), NUMA1-AS1 (NUMA1 antisense RNA 1; plus strand). Cytogenetic location: 11q13.4.
Variant type: single nucleotide variant.
Coding change: c.1030C>G on transcript NM_006185.4 (MANE Select); coding-DNA position 1030, C replaced by G.
Protein change: p.Leu344Val; replaces leucine 344 with valine.
Molecular consequence: missense variant. On other transcripts: non-coding transcript variant (1).
Genome position (GRCh38, 1-based): chr11:72,017,776, G>C on the plus strand (C>G on the coding strand, the complement: NUMA1 is on the minus strand). VCF-style: chr11-72017776-G-C. GRCh37 (hg19) VCF-style: chr11-71728822-G-C.
Other names: NC_000011.9:g.71728822G>C; c.1030C>G, p.Leu344Val (NM_001286561.2); short protein forms L344V.
Identifiers: ClinVar variation 3044820 (VCV003044820.3), dbSNP rs117729282, ClinGen allele CA6167736.